The following is an entry in ClinVar:

NM_000264.5(PTCH1):c.4237C>T (p.His1413Tyr)

Gene: PTCH1 (patched 1; minus strand). Cytogenetic location: 9q22.32.
Variant type: single nucleotide variant.
Coding change: c.4237C>T on transcript NM_000264.5 (MANE Select); coding-DNA position 4237, C replaced by T.
Protein change: p.His1413Tyr; replaces histidine 1413 with tyrosine.
Molecular consequence: missense variant. On other transcripts: non-coding transcript variant (1).
Genome position (GRCh38, 1-based): chr9:95,447,019, G>A on the plus strand (C>T on the coding strand, the complement: PTCH1 is on the minus strand). VCF-style: chr9-95447019-G-A. GRCh37 (hg19) VCF-style: chr9-98209301-G-A.
Other names: c.4039C>T, p.His1347Tyr (NM_001083602.3); c.4234C>T, p.His1412Tyr (NM_001083603.3); c.3784C>T, p.His1262Tyr (NM_001083604.3, NM_001083605.3, NM_001083606.3 and 1 more transcripts); c.4081C>T, p.His1361Tyr (NM_001354918.2); c.4237C>T (NM_000264.3); short protein forms H1262Y, H1347Y, H1361Y, H1412Y, H1413Y.
Identifiers: ClinVar variation 1020409 (VCV001020409.10), dbSNP rs772886108, ClinGen allele CA5137914.

ClinVar aggregate classification (germline): Uncertain significance. Review status: criteria provided, multiple submitters, no conflicts (2 of 4 stars). 2 submissions from 2 submitters: Uncertain significance (2). Last evaluated 2024-05-04.

Conditions:
Gorlin syndrome. Also called: Nevoid Basal Cell Carcinoma Syndrome; Basal cell nevus syndrome. Identifiers: Orphanet 377, MedGen C0004779, MONDO:0007187.
Hereditary cancer-predisposing syndrome. Also called: Hereditary neoplastic syndrome; Neoplastic Syndromes, Hereditary; Tumor predisposition; Hereditary Cancer Syndrome. Identifiers: Orphanet 140162, MedGen C0027672, MeSH D009386, MONDO:0015356.

Allele frequency attached by ClinVar (database versions not stated): ExAC 0.00001; gnomAD exomes 0.00001.
gnomAD v4.1: 6 of 1,614,242 alleles (0.00037%); highest among the groups gnomAD compares: South Asian, 0.0066%; 1 homozygote.

Submissions (2):

Ambry Genetics
Classification: Uncertain significance for Hereditary cancer-predisposing syndrome. Last evaluated: 2024-05-04. Review status: criteria provided, single submitter. Criteria: Ambry Variant Classification Scheme 2023. Collection method: clinical testing. Allele origin: germline.
Comment: The p.H1413Y variant (also known as c.4237C>T), located in coding exon 23 of the PTCH1 gene, results from a C to T substitution at nucleotide position 4237. The histidine at codon 1413 is replaced by tyrosine, an amino acid with similar properties. This amino acid position is conserved. In addition, this alteration is predicted to be deleterious by in silico analysis. Based on the available evidence, the clinical significance of this variant remains unclear.

Labcorp Genetics (formerly Invitae), Labcorp
Classification: Uncertain significance for Gorlin syndrome. Last evaluated: 2020-02-27. Review status: criteria provided, single submitter. Criteria: Invitae Variant Classification Sherloc (09022015). Collection method: clinical testing. Allele origin: germline.
Comment: This sequence change replaces histidine with tyrosine at codon 1413 of the PTCH1 protein (p.His1413Tyr). The histidine residue is moderately conserved and there is a moderate physicochemical difference between histidine and tyrosine. This variant is present in population databases (rs772886108, ExAC 0.006%). This variant has not been reported in the literature in individuals with PTCH1-related conditions. Algorithms developed to predict the effect of missense changes on protein structure and function are either unavailable or do not agree on the potential impact of this missense change (SIFT: "Deleterious"; PolyPhen-2: "Probably Damaging"; Align-GVGD: "Class C0"). In summary, the available evidence is currently insufficient to determine the role of this variant in disease. Therefore, it has been classified as a Variant of Uncertain Significance.